The following is an entry in ClinVar:

ClinVar aggregate classification (germline): Uncertain significance. Review status: criteria provided, multiple submitters, no conflicts (2 of 4 stars). 2 submissions from 2 submitters: Uncertain significance (2). Last evaluated 2021-11-12.

Allele frequency attached by ClinVar (database versions not stated): ExAC 0.00001.
gnomAD v4.1: 9 of 1,613,852 alleles (0.00056%); highest among the groups gnomAD compares: East Asian, 0.0045%; no homozygotes.

Submissions (2):

Labcorp Genetics (formerly Invitae), Labcorp
Classification: Uncertain significance. Last evaluated: 2021-11-12. Review status: criteria provided, single submitter. Criteria: Invitae Variant Classification Sherloc (09022015). Collection method: clinical testing. Allele origin: germline.
Comment: This sequence change replaces arginine, which is basic and polar, with glutamine, which is neutral and polar, at codon 302 of the ATP6V1B1 protein (p.Arg302Gln). This variant is present in population databases (rs782461130, gnomAD 0.006%). This variant has not been reported in the literature in individuals affected with ATP6V1B1-related conditions. Algorithms developed to predict the effect of missense changes on protein structure and function (SIFT, PolyPhen-2, Align-GVGD) all suggest that this variant is likely to be disruptive. This variant disrupts the p.Arg302 amino acid residue in ATP6V1B1. Other variant(s) that disrupt this residue have been observed in individuals with ATP6V1B1-related conditions (PMID: 28188436, 30256676), which suggests that this may be a clinically significant amino acid residue. In summary, the available evidence is currently insufficient to determine the role of this variant in disease. Therefore, it has been classified as a Variant of Uncertain Significance.

Blueprint Genetics
Classification: Uncertain significance. Last evaluated: 2019-02-22. Review status: criteria provided, single submitter. Criteria: ACMG Guidelines, 2015. Collection method: clinical testing. Allele origin: germline.

Literature cited by the submitters: PubMed 28188436 (cited by Labcorp Genetics (formerly Invitae), Labcorp); PubMed 30256676 (cited by Labcorp Genetics (formerly Invitae), Labcorp).

NM_001692.4(ATP6V1B1):c.905G>A (p.Arg302Gln)

Gene: ATP6V1B1 (ATPase H+ transporting V1 subunit B1; plus strand). Cytogenetic location: 2p13.3.
Variant type: single nucleotide variant.
Coding change: c.905G>A on transcript NM_001692.4 (MANE Select); coding-DNA position 905, G replaced by A.
Protein change: p.Arg302Gln; replaces arginine 302 with glutamine.
Molecular consequence: missense variant.
Genome position (GRCh38, 1-based): chr2:70,962,896, G>A. VCF-style: chr2-70962896-G-A. GRCh37 (hg19) VCF-style: chr2-71190026-G-A.
Other names: short protein forms R302Q.
Identifiers: ClinVar variation 1422752 (VCV001422752.4), dbSNP rs782461130, ClinGen allele CA1701189.